The following is an entry in ClinVar:

ClinVar aggregate classification (germline): Uncertain significance (1 of 4 stars; one submission).

Allele frequency attached by ClinVar (database versions not stated): ExAC 0.00004; gnomAD 0.00004; TOPMed 0.00004; ESP Exome Variant Server 0.00017.
gnomAD v4.1: 110 of 1,589,340 alleles (0.0069%); highest among the groups gnomAD compares: Non-Finnish European, 0.0085%; no homozygotes.

Submission:

CeGaT Center for Human Genetics Tuebingen
Classification: Uncertain significance. Last evaluated: 2023-11-01. Review status: criteria provided, single submitter. Criteria: CeGaT Center For Human Genetics Tuebingen Variant Classification Criteria Version 2. Collection method: clinical testing. Allele origin: germline. Affected: yes. Observed: 1 variant allele.
Comment: ADAM22: PM2

NM_001324418.2(ADAM22):c.2291G>A (p.Arg764Gln)

Gene: ADAM22 (ADAM metallopeptidase domain 22; plus strand). Cytogenetic location: 7q21.12.
Variant type: single nucleotide variant.
Coding change: c.2291G>A on transcript NM_001324418.2 (MANE Select); coding-DNA position 2291, G replaced by A.
Protein change: p.Arg764Gln; replaces arginine 764 with glutamine.
Molecular consequence: missense variant. On other transcripts: intron variant (1).
Genome position (GRCh38, 1-based): chr7:88,171,552, G>A. VCF-style: chr7-88171552-G-A. GRCh37 (hg19) VCF-style: chr7-87800867-G-A.
Other names: c.2288G>A, p.Arg763Gln (NM_001324417.2, NM_001324419.2, NM_001391978.1 and 1 more transcripts); c.2291G>A, p.Arg764Gln (NM_001324420.2, NM_001324421.2, NM_001391976.1 and 6 more transcripts); c.2342G>A, p.Arg781Gln (NM_001391975.1, NM_001391980.1); c.2267G>A, p.Arg756Gln (NM_001391982.1); c.2279+3325G>A (NM_001391981.1); short protein forms R756Q, R763Q, R764Q, R781Q.
Identifiers: ClinVar variation 2673112 (VCV002673112.23), dbSNP rs375078730, ClinGen allele CA4330811.